The following is an entry in ClinVar:

NM_130837.3(OPA1):c.629C>T (p.Ala210Val)

Genes: OPA1 (OPA1 mitochondrial dynamin like GTPase; plus strand), OPA1-AS1 (OPA1 antisense RNA 1; minus strand). Cytogenetic location: 3q29.
Variant type: single nucleotide variant.
Coding change: c.629C>T on transcript NM_130837.3 (MANE Select); coding-DNA position 629, C replaced by T.
Protein change: p.Ala210Val; replaces alanine 210 with valine.
Molecular consequence: missense variant. On other transcripts: non-coding transcript variant (1).
Genome position (GRCh38, 1-based): chr3:193,618,887, C>T. VCF-style: chr3-193618887-C-T. GRCh37 (hg19) VCF-style: chr3-193336676-C-T.
Other names: p.A192V:GCG>GTG; c.95C>T, p.Ala32Val (NM_001354663.2); c.203C>T, p.Ala68Val (NM_001354664.2); c.575C>T, p.Ala192Val (NM_015560.3, NM_130836.3); c.467C>T, p.Ala156Val (NM_130831.3, NM_130833.3); c.521C>T, p.Ala174Val (NM_130832.3, NM_130835.3); c.629C>T, p.Ala210Val (NM_130834.3); short protein forms A192V, A210V, A156V, A68V, A174V, A32V.
Identifiers: ClinVar variation 95729 (VCV000095729.34), dbSNP rs34307082, ClinGen allele CA285739.

ClinVar aggregate classification (germline): Benign. Review status: criteria provided, multiple submitters, no conflicts (2 of 4 stars). 12 submissions from 12 submitters: Benign (8). 4 of the submissions do not count toward it. Last evaluated 2026-02-02.

Conditions:
Autosomal dominant optic atrophy classic form (OPA1). Also called: OPTIC ATROPHY, JUVENILE; Optic Atrophy Type 1; KJER-TYPE OPTIC ATROPHY. Identifiers: Orphanet 98673, MedGen C0338508, MONDO:0008134, OMIM 165500.

Allele frequency attached by ClinVar (database versions not stated): gnomAD 0.02369 and 0.02411; 1000 Genomes Project 0.01897; 1000 Genomes Project 30x 0.02014; ExAC 0.02163; gnomAD exomes 0.02720 and 0.02274; TOPMed 0.02173; ESP Exome Variant Server 0.02530.
gnomAD v4.1: 43,368 of 1,612,898 alleles (2.7%); highest among the groups gnomAD compares: Non-Finnish European, 2.9%; 696 homozygotes.

Submissions 1 to 29 of 46:

Labcorp Genetics (formerly Invitae), Labcorp
Classification: Benign. Last evaluated: 2026-02-02. Review status: criteria provided, single submitter. Criteria: Invitae Variant Classification Sherloc (09022015). Collection method: clinical testing. Allele origin: germline.

ARUP Laboratories, Molecular Genetics and Genomics, ARUP Laboratories
Classification: Benign. Last evaluated: 2023-11-29. Review status: criteria provided, single submitter. Criteria: ARUP Molecular Germline Variant Investigation Process 2024. Collection method: clinical testing. Allele origin: germline.

Illumina Laboratory Services, Illumina
Classification: Benign for Autosomal dominant optic atrophy classic form. Last evaluated: 2018-01-13. Review status: criteria provided, single submitter. Criteria: ICSL Variant Classification Criteria 13 December 2019. Collection method: clinical testing. Allele origin: germline.
Comment: This variant was observed in the ICSL laboratory as part of a predisposition screen in an ostensibly healthy population. It had not been previously curated by ICSL or reported in the Human Gene Mutation Database (HGMD: prior to June 1st, 2018), and was therefore a candidate for classification through an automated scoring system. Utilizing variant allele frequency, disease prevalence and penetrance estimates, and inheritance mode, an automated score was calculated to assess if this variant is too frequent to cause the disease. Based on the score and internal cut-off values, a variant classified as benign is not then subjected to further curation. The score for this variant resulted in a classification of benign for this disease.

Athena Diagnostics
Classification: Benign. Last evaluated: 2017-08-01. Review status: criteria provided, single submitter. Criteria: Athena Diagnostics Criteria. Collection method: clinical testing. Allele origin: germline.

Eurofins Ntd Llc (ga)
Classification: Benign. Last evaluated: 2016-04-06. Review status: criteria provided, single submitter. Criteria: EGL Classification Definitions 2015. Collection method: clinical testing. Allele origin: germline. Observed: 18 variant alleles, 17 heterozygotes, 1 homozygote.

GeneDx
Classification: Benign. Last evaluated: 2011-11-29. Review status: criteria provided, single submitter. Criteria: GeneDx Variant Classification (06012015). Collection method: clinical testing. Allele origin: germline. Affected: yes.
Comment: This variant is considered likely benign or benign based on one or more of the following criteria: it is a conservative change, it occurs at a poorly conserved position in the protein, it is predicted to be benign by multiple in silico algorithms, and/or has population frequency not consistent with disease.

Breakthrough Genomics
Classification: Benign. Review status: criteria provided, single submitter. Criteria: ACMG Guidelines, 2015. Collection method: not provided. Allele origin: germline. Inheritance: Autosomal recessive inheritance. Affected: yes.

PreventionGenetics, part of Exact Sciences
Classification: Benign. Review status: criteria provided, single submitter. Criteria: ACMG Guidelines, 2015. Collection method: clinical testing. Allele origin: germline.

Mayo Clinic Laboratories, Mayo Clinic
Classification: Benign. Last evaluated: 2016-02-23. Review status: no assertion criteria provided. Collection method: clinical testing. Allele origin: unknown. Not counted in ClinVar's aggregate classification.

Clinical Genetics DNA and cytogenetics Diagnostics Lab, Erasmus MC, Erasmus Medical Center
Classification: Benign. Review status: no assertion criteria provided. Collection method: clinical testing. Allele origin: germline. Affected: yes. Study: VKGL Data-share Consensus. Not counted in ClinVar's aggregate classification.

Dr. Peter K. Rogan Lab, Western University
No classification provided (evidence only). Condition: Lung cancer. Review status: no classification provided. Collection method: in vitro. Allele origin: not applicable. Functional consequence: retained intron. Not counted in ClinVar's aggregate classification.

Dr. Peter K. Rogan Lab, Western University
No classification provided (evidence only). Condition: Lung cancer. Review status: no classification provided. Collection method: in vitro. Allele origin: not applicable. Functional consequence: retained intron. Not counted in ClinVar's aggregate classification.

Dr. Peter K. Rogan Lab, Western University
No classification provided (evidence only). Condition: Lung cancer. Review status: no classification provided. Collection method: in vitro. Allele origin: not applicable. Functional consequence: retained intron. Not counted in ClinVar's aggregate classification.

Dr. Peter K. Rogan Lab, Western University
No classification provided (evidence only). Condition: Lung cancer. Review status: no classification provided. Collection method: in vitro. Allele origin: not applicable. Functional consequence: retained intron. Not counted in ClinVar's aggregate classification.

Dr. Peter K. Rogan Lab, Western University
No classification provided (evidence only). Condition: Melanoma. Review status: no classification provided. Collection method: in vitro. Allele origin: not applicable. Functional consequence: retained intron. Not counted in ClinVar's aggregate classification.

Dr. Peter K. Rogan Lab, Western University
No classification provided (evidence only). Condition: Melanoma. Review status: no classification provided. Collection method: in vitro. Allele origin: not applicable. Functional consequence: retained intron. Not counted in ClinVar's aggregate classification.

Dr. Peter K. Rogan Lab, Western University
No classification provided (evidence only). Condition: Colorectal cancer. Review status: no classification provided. Collection method: in vitro. Allele origin: not applicable. Functional consequence: retained intron. Not counted in ClinVar's aggregate classification.

Dr. Peter K. Rogan Lab, Western University
No classification provided (evidence only). Condition: Colorectal cancer. Review status: no classification provided. Collection method: in vitro. Allele origin: not applicable. Functional consequence: retained intron. Not counted in ClinVar's aggregate classification.

Dr. Peter K. Rogan Lab, Western University
No classification provided (evidence only). Condition: Cervical cancer. Review status: no classification provided. Collection method: in vitro. Allele origin: not applicable. Functional consequence: retained intron. Not counted in ClinVar's aggregate classification.

Dr. Peter K. Rogan Lab, Western University
No classification provided (evidence only). Condition: Cervical cancer. Review status: no classification provided. Collection method: in vitro. Allele origin: not applicable. Functional consequence: retained intron. Not counted in ClinVar's aggregate classification.

Dr. Peter K. Rogan Lab, Western University
No classification provided (evidence only). Condition: Sarcoma. Review status: no classification provided. Collection method: in vitro. Allele origin: not applicable. Functional consequence: retained intron. Not counted in ClinVar's aggregate classification.

Dr. Peter K. Rogan Lab, Western University
No classification provided (evidence only). Condition: Sarcoma. Review status: no classification provided. Collection method: in vitro. Allele origin: not applicable. Functional consequence: retained intron. Not counted in ClinVar's aggregate classification.

Dr. Peter K. Rogan Lab, Western University
No classification provided (evidence only). Condition: Sarcoma. Review status: no classification provided. Collection method: in vitro. Allele origin: not applicable. Functional consequence: retained intron. Not counted in ClinVar's aggregate classification.

Dr. Peter K. Rogan Lab, Western University
No classification provided (evidence only). Condition: Sarcoma. Review status: no classification provided. Collection method: in vitro. Allele origin: not applicable. Functional consequence: retained intron. Not counted in ClinVar's aggregate classification.

Dr. Peter K. Rogan Lab, Western University
No classification provided (evidence only). Condition: Sarcoma. Review status: no classification provided. Collection method: in vitro. Allele origin: not applicable. Functional consequence: retained intron. Not counted in ClinVar's aggregate classification.

Dr. Peter K. Rogan Lab, Western University
No classification provided (evidence only). Condition: Sarcoma. Review status: no classification provided. Collection method: in vitro. Allele origin: not applicable. Functional consequence: retained intron. Not counted in ClinVar's aggregate classification.

Dr. Peter K. Rogan Lab, Western University
No classification provided (evidence only). Condition: Cholangiocarcinoma. Review status: no classification provided. Collection method: in vitro. Allele origin: not applicable. Functional consequence: retained intron. Not counted in ClinVar's aggregate classification.

Dr. Peter K. Rogan Lab, Western University
No classification provided (evidence only). Condition: Ovarian serous cystadenocarcinoma. Review status: no classification provided. Collection method: in vitro. Allele origin: not applicable. Functional consequence: retained intron. Not counted in ClinVar's aggregate classification.

Dr. Peter K. Rogan Lab, Western University
No classification provided (evidence only). Condition: Ovarian serous cystadenocarcinoma. Review status: no classification provided. Collection method: in vitro. Allele origin: not applicable. Functional consequence: retained intron. Not counted in ClinVar's aggregate classification.